The following is an entry in ClinVar:

NM_002691.4(POLD1):c.2809A>G (p.Met937Val)

Gene: POLD1 (DNA polymerase delta 1, catalytic subunit; plus strand). Cytogenetic location: 19q13.33.
Variant type: single nucleotide variant.
Coding change: c.2809A>G on transcript NM_002691.4 (MANE Select); coding-DNA position 2809, A replaced by G.
Protein change: p.Met937Val; replaces methionine 937 with valine.
Molecular consequence: missense variant.
Genome position (GRCh38, 1-based): chr19:50,415,815, A>G. VCF-style: chr19-50415815-A-G. GRCh37 (hg19) VCF-style: chr19-50919072-A-G.
Other names: c.2809A>G, p.Met937Val (NM_001256849.1, LRG_785t1); c.2887A>G, p.Met963Val (NM_001308632.1, LRG_785t2); c.2809A>G (NM_002691.2); short protein forms M963V, M937V.
Identifiers: ClinVar variation 570325 (VCV000570325.9), dbSNP rs1060501839, ClinGen allele CA406986093.

ClinVar aggregate classification (germline): Uncertain significance. Review status: criteria provided, multiple submitters, no conflicts (2 of 4 stars). 2 submissions from 2 submitters: Uncertain significance (2). Last evaluated 2026-04-09.

Conditions:
Hereditary cancer-predisposing syndrome. Also called: Tumor predisposition; Neoplastic Syndromes, Hereditary; Hereditary Cancer Syndrome; Hereditary neoplastic syndrome. Identifiers: Orphanet 140162, MedGen C0027672, MeSH D009386, MONDO:0015356.
POLD1-related polyposis and colorectal cancer syndrome (CRCS10). Also called: Colorectal cancer 10; COLORECTAL CANCER, SUSCEPTIBILITY TO, ON CHROMOSOME 19q; Colorectal cancer, susceptibility to, 10. Identifiers: Orphanet 220460, MedGen C2675481, MONDO:0012953, OMIM 612591.

gnomAD v4.1: 4 of 1,529,454 alleles (0.00026%); highest among the groups gnomAD compares: Admixed American, 0.002%; no homozygotes.

Submissions (2):

Ambry Genetics
Classification: Uncertain significance for Hereditary cancer-predisposing syndrome. Last evaluated: 2026-04-09. Review status: criteria provided, single submitter. Criteria: Ambry Variant Classification Scheme 2023. Collection method: clinical testing. Allele origin: germline.
Comment: The p.M937V variant (also known as c.2809A>G), located in coding exon 21 of the POLD1 gene, results from an A to G substitution at nucleotide position 2809. The methionine at codon 937 is replaced by valine, an amino acid with highly similar properties. This amino acid position is well conserved in available vertebrate species. In addition, this alteration is predicted to be tolerated by in silico analysis. Based on the available evidence, the clinical significance of this variant remains unclear.

Labcorp Genetics (formerly Invitae), Labcorp
Classification: Uncertain significance for POLD1-related polyposis and colorectal cancer syndrome. Last evaluated: 2022-04-15. Review status: criteria provided, single submitter. Criteria: Invitae Variant Classification Sherloc (09022015). Collection method: clinical testing. Allele origin: germline.
Comment: In summary, the available evidence is currently insufficient to determine the role of this variant in disease. Therefore, it has been classified as a Variant of Uncertain Significance. Algorithms developed to predict the effect of missense changes on protein structure and function are either unavailable or do not agree on the potential impact of this missense change (SIFT: "Tolerated"; PolyPhen-2: "Possibly Damaging"; Align-GVGD: "Class C0"). ClinVar contains an entry for this variant (Variation ID: 570325). This variant has not been reported in the literature in individuals affected with POLD1-related conditions. This variant is not present in population databases (gnomAD no frequency). This sequence change replaces methionine, which is neutral and non-polar, with valine, which is neutral and non-polar, at codon 937 of the POLD1 protein (p.Met937Val).